The following is an entry in ClinVar:

NM_004364.5(CEBPA):c.146del (p.Pro49fs)

Gene: CEBPA (CCAAT enhancer binding protein alpha; minus strand). Cytogenetic location: 19q13.11.
Variant type: Deletion.
Coding change: c.146del on transcript NM_004364.5 (MANE Select); coding-DNA position 146, one base deleted (C; older notation c.146delC).
Protein change: p.Pro49fs; shifts the reading frame from proline 49.
Molecular consequence: frameshift variant. On other transcripts: 5 prime UTR variant (1).
Genome position (GRCh38, 1-based): chr19:33,302,269, G deleted on the plus strand (C on the coding strand, the reverse complement: CEBPA is on the minus strand); the first of 4 consecutive G bases (chr19:33,302,269-33,302,272); deleting any one gives the same sequence. VCF-style (leftmost placement, unchanged base first): chr19-33302268-CG-C. GRCh37 (hg19) VCF-style: chr19-33793174-CG-C.
Other names: c.-212del (NM_001285829.2); c.251del, p.Pro84fs (NM_001287424.2); c.104del, p.Pro35fs (NM_001287435.2); c.146delC (NM_004364.5); short protein forms P35fs, P49fs, P84fs.
Identifiers: ClinVar variation 1343791 (VCV001343791.1), dbSNP rs2513332961, ClinGen allele CA645612873.
Genomic context (GRCh38, chr19:33,302,268, plus strand): 5'-GTCGATGTAGGCGCTGATGTCGATGGACGTCTCGTGCTCGCAGATGCCGCCCAGCGGCTC[CG>C]GGGCGGCAGGTGGGGCGGGAGGCTGCGCGGGGCCCGCGCCCCGGGGAAAGCCGAAGGCGG-3'

ClinVar aggregate classification (germline): Pathogenic (1 of 4 stars; one submission).

Conditions:
Acute myeloid leukemia (AML). Also called: Leukemia, acute myeloid, somatic; Leukemia, acute myelogenous, somatic; Acute myeloid leukemia, adult; AML adult; Acute non-lymphocytic leukemia; Acute granulocytic leukemia. Identifiers: Orphanet 519, MedGen C0023467, MeSH D015470, MONDO:0018874, OMIM 601626, HP:0004808. Disease mechanism: Constitutively activated FLT3.

Submission:

Genomic Diagnostics Laboratory, National Institute of Medical Genomics
Classification: Pathogenic for Acute myeloid leukemia. Review status: criteria provided, single submitter. Criteria: AMP Guidelines, 2017. Collection method: clinical testing. Allele origin: somatic. Affected: yes.
Comment: The variant was detected in bone marrow from patients, but it was not confirmed in the matched